The following is an entry in ClinVar:

ClinVar aggregate classification (germline): Uncertain significance (1 of 4 stars; one submission).

Conditions:
Immunodeficiency 67. Also called: Immunodeficiency due to interleukin-1 receptor-associated kinase-4 deficiency. Identifiers: Orphanet 70592, MedGen C1843256, MONDO:0011888, OMIM 607676.

Allele frequency attached by ClinVar (database versions not stated): gnomAD 0.00001.

Submission:

Labcorp Genetics (formerly Invitae), Labcorp
Classification: Uncertain significance for Immunodeficiency 67. Last evaluated: 2022-11-08. Review status: criteria provided, single submitter. Criteria: Invitae Variant Classification Sherloc (09022015). Collection method: clinical testing. Allele origin: germline.
Comment: This sequence change replaces proline, which is neutral and non-polar, with leucine, which is neutral and non-polar, at codon 266 of the IRAK4 protein (p.Pro266Leu). This variant is present in population databases (no rsID available, gnomAD 0.01%). This variant has not been reported in the literature in individuals affected with IRAK4-related conditions. Algorithms developed to predict the effect of missense changes on protein structure and function (SIFT, PolyPhen-2, Align-GVGD) all suggest that this variant is likely to be tolerated. In summary, the available evidence is currently insufficient to determine the role of this variant in disease. Therefore, it has been classified as a Variant of Uncertain Significance.

NM_016123.4(IRAK4):c.797C>T (p.Pro266Leu)

Gene: IRAK4 (interleukin 1 receptor associated kinase 4; plus strand). Cytogenetic location: 12q12.
Variant type: single nucleotide variant.
Coding change: c.797C>T on transcript NM_016123.4 (MANE Select); coding-DNA position 797, C replaced by T.
Protein change: p.Pro266Leu; replaces proline 266 with leucine.
Molecular consequence: missense variant.
Genome position (GRCh38, 1-based): chr12:43,777,710, C>T. VCF-style: chr12-43777710-C-T. GRCh37 (hg19) VCF-style: chr12-44171513-C-T.
Other names: c.797C>T, p.Pro266Leu (NM_001114182.3, NM_001351345.2); c.425C>T, p.Pro142Leu (NM_001145256.2, NM_001145257.2, NM_001145258.2 and 5 more transcripts); c.188C>T, p.Pro63Leu (NM_001351343.2, NM_001351344.2); short protein forms P266L, P142L, P63L.
Identifiers: ClinVar variation 2062779 (VCV002062779.4), dbSNP rs1278359106, ClinGen allele CA384474560.